The following is an entry in ClinVar:

ClinVar aggregate classification (germline): Uncertain significance. Review status: criteria provided, multiple submitters, no conflicts (2 of 4 stars). 2 submissions from 2 submitters: Uncertain significance (2). Last evaluated 2025-10-17.

Allele frequency attached by ClinVar (database versions not stated): gnomAD exomes below 0.00001.
gnomAD v4.1: 1 of 1,610,506 alleles (0.000062%); highest among the groups gnomAD compares: Non-Finnish European, 0.000085%; no homozygotes.

Submissions (2):

Ambry Genetics
Classification: Uncertain significance. Last evaluated: 2025-10-17. Review status: criteria provided, single submitter. Criteria: Ambry Variant Classification Scheme 2023. Collection method: clinical testing. Allele origin: germline.
Comment: The c.103+5G>A intronic variant results from a G to A substitution 5 nucleotides after coding exon 2 in the RPS20 gene. This nucleotide position is well conserved through mammals. In silico splice site analysis predicts that this alteration will weaken the native splice donor site and will result in the creation or strengthening of a novel splice donor site. RNA studies have demonstrated that this alteration results in a splice defect; the clinical impact of this abnormal splicing is unknown at this time (Ambry internal data). Based on the available evidence, the clinical significance of this variant remains unclear.

Labcorp Genetics (formerly Invitae), Labcorp
Classification: Uncertain significance. Last evaluated: 2024-11-27. Review status: criteria provided, single submitter. Criteria: Invitae Variant Classification Sherloc (09022015). Collection method: clinical testing. Allele origin: germline.
Comment: This sequence change falls in intron 2 of the RPS20 gene. It does not directly change the encoded amino acid sequence of the RPS20 protein. It affects a nucleotide within the consensus splice site. This variant is not present in population databases (gnomAD no frequency). This variant has not been reported in the literature in individuals affected with RPS20-related conditions. ClinVar contains an entry for this variant (Variation ID: 661765). Variants that disrupt the consensus splice site are a relatively common cause of aberrant splicing (PMID: 17576681, 9536098). Algorithms developed to predict the effect of sequence changes on RNA splicing suggest that this variant may disrupt the consensus splice site. In summary, the available evidence is currently insufficient to determine the role of this variant in disease. Therefore, it has been classified as a Variant of Uncertain Significance.

Literature cited by the submitters: PubMed 17576681 (cited by Labcorp Genetics (formerly Invitae), Labcorp); PubMed 9536098 (cited by Labcorp Genetics (formerly Invitae), Labcorp).

NM_001023.4(RPS20):c.103+5G>A

Gene: RPS20 (ribosomal protein S20; minus strand). Cytogenetic location: 8q12.1.
Variant type: single nucleotide variant.
Coding change: c.103+5G>A on transcript NM_001023.4 (MANE Select); 5 bases into the intron after coding-DNA position 103, G replaced by A.
Molecular consequence: intron variant.
Genome position (GRCh38, 1-based): chr8:56,074,055, C>T on the plus strand (G>A on the coding strand, the complement: RPS20 is on the minus strand). VCF-style: chr8-56074055-C-T. GRCh37 (hg19) VCF-style: chr8-56986614-C-T.
Other names: c.103+5G>A (NM_001146227.3).
Identifiers: ClinVar variation 661765 (VCV000661765.7), dbSNP rs1585724248, ClinGen allele CA915945693.